The following is an entry in ClinVar:

NM_002709.3(PPP1CB):c.545T>A (p.Met182Lys)

Gene: PPP1CB (protein phosphatase 1 catalytic subunit beta; plus strand). Cytogenetic location: 2p23.2.
Variant type: single nucleotide variant.
Coding change: c.545T>A on transcript NM_002709.3 (MANE Select); coding-DNA position 545, T replaced by A.
Protein change: p.Met182Lys; replaces methionine 182 with lysine.
Molecular consequence: missense variant.
Genome position (GRCh38, 1-based): chr2:28,783,931, T>A. VCF-style: chr2-28783931-T-A. GRCh37 (hg19) VCF-style: chr2-29006797-T-A.
Other names: c.545T>A, p.Met182Lys (NM_206876.2); c.545T>A (NM_206876.1); short protein forms M182K.
Identifiers: ClinVar variation 974912 (VCV000974912.8), dbSNP rs2465736021, ClinGen allele CA346582423.

ClinVar aggregate classification (germline): Pathogenic/Likely pathogenic. Review status: criteria provided, multiple submitters, no conflicts (2 of 4 stars). 4 submissions from 4 submitters: Pathogenic (1); Likely pathogenic (2). 1 of the submissions does not count toward it. Last evaluated 2025-05-09.

Conditions:
Noonan syndrome (NS). Also called: Noonan's syndrome. Identifiers: Orphanet 648, MedGen C0028326, MeSH D009634, MONDO:0018997. Disease mechanism: gain of function.
Noonan syndrome-like disorder with loose anagen hair 2 (NSLH2). Identifiers: MedGen C4479577, MONDO:0054588, OMIM 617506.

Submissions (4):

GeneDx
Classification: Likely pathogenic. Last evaluated: 2025-05-09. Review status: criteria provided, single submitter. Criteria: GeneDx Variant Classification Process June 2021. Collection method: clinical testing. Allele origin: germline. Affected: yes.
Comment: Not observed at significant frequency in large population cohorts (gnomAD); In silico analysis supports that this missense variant has a deleterious effect on protein structure/function; This variant is associated with the following publications: (PMID: 33491856, 39300798)

Laboratorio de Biologia Molecular - Genetica, Hospital de Pediatria Garrahan
Classification: Likely pathogenic for Noonan syndrome-like disorder with loose anagen hair 2. Last evaluated: 2020-08-28. Review status: criteria provided, single submitter. Criteria: ACMG Guidelines, 2015. Collection method: clinical testing. Allele origin: germline. Inheritance: Autosomal dominant inheritance. Affected: yes. Observed: 1 heterozygote.
Comment: This variant is not identified in the databases, including ExAC, 1000genomes, or HGVD. It is described in a family were the mother and three children with Noonan syndrome with loose anagen hair phenotype harbored the variant. The variant c.548A>C (p.Glu183Ala) was previously described as pathogenic.

Cambridge Genomics Laboratory, East Genomic Laboratory Hub, NHS Genomic Medicine Service
Classification: Pathogenic for Noonan syndrome. Last evaluated: 2020-02-14. Review status: criteria provided, single submitter. Criteria: ACGS Best Practice Guidelines for Variant Classification in Rare Disease 2020. Collection method: clinical testing. Allele origin: germline. Affected: yes. Observed: 1 variant allele.

Service de Génétique Moléculaire, Hôpital Robert Debré
Classification: Likely pathogenic for Noonan syndrome. Review status: no assertion criteria provided. Collection method: clinical testing. Allele origin: de novo. Affected: yes. Not counted in ClinVar's aggregate classification.